The following is an entry in ClinVar:

NM_000179.3(MSH6):c.1046A>G (p.Gln349Arg)

Gene: MSH6 (mutS homolog 6; plus strand). Cytogenetic location: 2p16.3.
Variant type: single nucleotide variant.
Coding change: c.1046A>G on transcript NM_000179.3 (MANE Select); coding-DNA position 1046, A replaced by G.
Protein change: p.Gln349Arg; replaces glutamine 349 with arginine.
Molecular consequence: missense variant.
Genome position (GRCh38, 1-based): chr2:47,799,029, A>G. VCF-style: chr2-47799029-A-G. GRCh37 (hg19) VCF-style: chr2-48026168-A-G.
Other names: c.656A>G, p.Gln219Arg (NM_001281492.2); c.140A>G, p.Gln47Arg (NM_001281493.2, NM_001281494.2); short protein forms Q349R, Q219R, Q47R.
Identifiers: ClinVar variation 224578 (VCV000224578.26), dbSNP rs869312797, ClinGen allele CA357784.

ClinVar aggregate classification (germline): Conflicting classifications of pathogenicity. Review status: criteria provided, conflicting classifications (1 of 4 stars). 6 submissions from 6 submitters: Uncertain significance (5); Benign (1). Last evaluated 2024-10-25.

Conditions:
Lynch syndrome. Identifiers: Orphanet 144, MedGen C4552100, MONDO:0005835. Disease mechanism: loss of function.
Hereditary nonpolyposis colorectal neoplasms. Identifiers: MedGen C0009405, MeSH D003123.
Hereditary cancer-predisposing syndrome. Also called: Tumor predisposition; Hereditary neoplastic syndrome; Neoplastic Syndromes, Hereditary; Hereditary Cancer Syndrome. Identifiers: Orphanet 140162, MedGen C0027672, MeSH D009386, MONDO:0015356.

Allele frequency attached by ClinVar (database versions not stated): gnomAD exomes below 0.00001.
gnomAD v4.1: 5 of 1,614,196 alleles (0.00031%); highest among the groups gnomAD compares: Non-Finnish European, 0.00042%; no homozygotes.

Submissions (6):

Labcorp Genetics (formerly Invitae), Labcorp
Classification: Benign for Hereditary nonpolyposis colorectal neoplasms. Last evaluated: 2024-10-25. Review status: criteria provided, single submitter. Criteria: Invitae Variant Classification Sherloc (09022015). Collection method: clinical testing. Allele origin: germline.

All of Us Research Program, National Institutes of Health
Classification: Uncertain significance for Lynch syndrome. Last evaluated: 2024-05-30. Review status: criteria provided, single submitter. Criteria: ACMG Guidelines, 2015. Collection method: clinical testing. Allele origin: germline. Inheritance: Autosomal dominant inheritance. Observed: 1 variant allele, 1 heterozygote.
Comment: This missense variant replaces glutamine with arginine at codon 349 of the MSH6 protein. Computational prediction suggests that this variant may not impact protein structure and function (internally defined REVEL score threshold <= 0.5, PMID: 27666373). To our knowledge, functional studies have not been reported for this variant. This variant has been reported in an individual affected with early onset colon cancer, with a family history of colon cancer (PMID: 26845104). This variant has not been identified in the general population by the Genome Aggregation Database (gnomAD). The available evidence is insufficient to determine the role of this variant in disease conclusively. Therefore, this variant is classified as a Variant of Uncertain Significance.

This study involves interpretation of variants in research participants for the purpose of population health screening. Participant phenotype was not available at the time of variant classification. Additional details can be found in publication PMID: 35346344, PMCID: PMC8962531

Ambry Genetics
Classification: Uncertain significance for Hereditary cancer-predisposing syndrome. Last evaluated: 2024-03-01. Review status: criteria provided, single submitter. Criteria: Ambry Variant Classification Scheme 2023. Collection method: clinical testing. Allele origin: germline.
Comment: The p.Q349R variant (also known as c.1046A>G), located in coding exon 4 of the MSH6 gene, results from an A to G substitution at nucleotide position 1046. The glutamine at codon 349 is replaced by arginine, an amino acid with highly similar properties. This amino acid position is well conserved in available vertebrate species. In addition, this alteration is predicted to be tolerated by in silico analysis. Since supporting evidence is limited at this time, the clinical significance of this alteration remains unclear.

Color Diagnostics, LLC DBA Color Health
Classification: Uncertain significance for Hereditary cancer-predisposing syndrome. Last evaluated: 2024-02-12. Review status: criteria provided, single submitter. Criteria: ACMG Guidelines, 2015. Collection method: clinical testing. Allele origin: germline.
Comment: This missense variant replaces glutamine with arginine at codon 349 of the MSH6 protein. Computational prediction suggests that this variant may not impact protein structure and function (internally defined REVEL score threshold <= 0.5, PMID: 27666373). To our knowledge, functional studies have not been reported for this variant. This variant has been reported in an individual affected with early onset colon cancer, with a family history of colon cancer (PMID: 26845104). This variant has not been identified in the general population by the Genome Aggregation Database (gnomAD). The available evidence is insufficient to determine the role of this variant in disease conclusively. Therefore, this variant is classified as a Variant of Uncertain Significance.

GeneDx
Classification: Uncertain significance. Last evaluated: 2019-07-03. Review status: criteria provided, single submitter. Criteria: GeneDx Variant Classification Process June 2021. Collection method: clinical testing. Allele origin: germline. Affected: yes.
Comment: Not observed in large population cohorts (Lek et al., 2016); In silico analysis, which includes protein predictors and evolutionary conservation, supports that this variant does not alter protein structure/function; This variant is associated with the following publications: (PMID: 26845104)

University of Washington Department of Laboratory Medicine, University of Washington
Classification: Uncertain significance for Hereditary nonpolyposis colon cancer. Last evaluated: 2015-11-20. Review status: criteria provided, single submitter. Criteria: Shirts et al. (Genet Med 2016). Collection method: clinical testing. Allele origin: germline. Affected: yes. Observed: 1 variant allele.

Literature cited by the submitters: PubMed 26845104 (cited by 3 submitters).